The following is an entry in ClinVar:

NM_145167.3(PIGM):c.364C>T (p.Arg122Cys)

Gene: PIGM (phosphatidylinositol glycan anchor biosynthesis class M; minus strand). Cytogenetic location: 1q23.2.
Variant type: single nucleotide variant.
Coding change: c.364C>T on transcript NM_145167.3 (MANE Select); coding-DNA position 364, C replaced by T.
Protein change: p.Arg122Cys; replaces arginine 122 with cysteine.
Molecular consequence: missense variant.
Genome position (GRCh38, 1-based): chr1:160,031,376, G>A on the plus strand (C>T on the coding strand, the complement: PIGM is on the minus strand). VCF-style: chr1-160031376-G-A. GRCh37 (hg19) VCF-style: chr1-160001166-G-A.
Other names: short protein forms R122C.
Identifiers: ClinVar variation 1959200 (VCV001959200.5), dbSNP rs962602357, ClinGen allele CA31495769.

ClinVar aggregate classification (germline): Uncertain significance (1 of 4 stars; one submission).

Conditions:
Hypercoagulability syndrome due to glycosylphosphatidylinositol deficiency (GPIBD1). Also called: GLYCOSYLPHOSPHATIDYLINOSITOL BIOSYNTHESIS DEFECT 1. Identifiers: Orphanet 83639, MedGen C5201145, MONDO:0012465, OMIM 610293.

Allele frequency attached by ClinVar (database versions not stated): gnomAD 0.00001.
gnomAD v4.1: 2 of 1,606,718 alleles (0.00012%); highest among the groups gnomAD compares: African/African-American, 0.0013%; no homozygotes.

Submission:

Labcorp Genetics (formerly Invitae), Labcorp
Classification: Uncertain significance for Hypercoagulability syndrome due to glycosylphosphatidylinositol deficiency. Last evaluated: 2024-04-11. Review status: criteria provided, single submitter. Criteria: Invitae Variant Classification Sherloc (09022015). Collection method: clinical testing. Allele origin: germline.
Comment: This sequence change replaces arginine, which is basic and polar, with cysteine, which is neutral and slightly polar, at codon 122 of the PIGM protein (p.Arg122Cys). This variant is not present in population databases (gnomAD no frequency). This variant has not been reported in the literature in individuals affected with PIGM-related conditions. ClinVar contains an entry for this variant (Variation ID: 1959200). Advanced modeling of protein sequence and biophysical properties (such as structural, functional, and spatial information, amino acid conservation, physicochemical variation, residue mobility, and thermodynamic stability) performed at Invitae indicates that this missense variant is not expected to disrupt PIGM protein function with a negative predictive value of 80%. In summary, the available evidence is currently insufficient to determine the role of this variant in disease. Therefore, it has been classified as a Variant of Uncertain Significance.